The following is an entry in ClinVar:

NM_000742.4(CHRNA2):c.450-156A>G

Gene: CHRNA2 (cholinergic receptor nicotinic alpha 2 subunit; minus strand). Cytogenetic location: 8p21.2.
Variant type: single nucleotide variant.
Coding change: c.450-156A>G on transcript NM_000742.4 (MANE Select); 156 bases into the intron before coding-DNA position 450, A replaced by G.
Molecular consequence: intron variant.
Genome position (GRCh38, 1-based): chr8:27,464,149, T>C on the plus strand (A>G on the coding strand, the complement: CHRNA2 is on the minus strand). VCF-style: chr8-27464149-T-C. GRCh37 (hg19) VCF-style: chr8-27321666-T-C.
Other names: c.-23-161A>G (NM_001347705.2, NM_001347706.2); c.405-156A>G (NM_001282455.2); c.-12-289A>G (NM_001347708.2); c.-9-292A>G (NM_001347707.2).
Identifiers: ClinVar variation 681615 (VCV000681615.1), dbSNP rs71651699, ClinGen allele CA174242912.
Genomic context (GRCh38, chr8:27,464,149, plus strand): 5'-AGTCAGACCCGGCCACACTGGCGGGGTTTATTTATGCAAGTGTGTAAGTCTCCCCCGGCA[T>C]GCACATTTATAGCCACTGAGCTGTCTTGTCAATTACTACCTTTTTAAATACAAAAGGAGG-3'

ClinVar aggregate classification (germline): Likely benign (1 of 4 stars; one submission).

Allele frequency attached by ClinVar (database versions not stated): 1000 Genomes Project 0.00938; 1000 Genomes Project 30x 0.01077; TOPMed 0.01940; gnomAD 0.01960 and 0.02007.
gnomAD v4.1: 2,986 of 152,278 alleles (2%); highest among the groups gnomAD compares: Non-Finnish European, 3.1%; 36 homozygotes.

Submission:

GeneDx
Classification: Likely benign. Last evaluated: 2018-06-14. Review status: criteria provided, single submitter. Criteria: GeneDx Variant Classification (06012015). Collection method: clinical testing. Allele origin: germline. Affected: yes.
Comment: This variant is considered likely benign or benign based on one or more of the following criteria: it is a conservative change, it occurs at a poorly conserved position in the protein, it is predicted to be benign by multiple in silico algorithms, and/or has population frequency not consistent with disease.